The following is an entry in ClinVar:

NM_005765.3(ATP6AP2):c.217C>G (p.Arg73Gly)

Gene: ATP6AP2 (ATPase H+ transporting accessory protein 2; plus strand). Cytogenetic location: Xp11.4.
Variant type: single nucleotide variant.
Coding change: c.217C>G on transcript NM_005765.3 (MANE Select); coding-DNA position 217, C replaced by G.
Protein change: p.Arg73Gly; replaces arginine 73 with glycine.
Molecular consequence: missense variant.
Genome position (GRCh38, 1-based): chrX:40,591,282, C>G. VCF-style: chrX-40591282-C-G. GRCh37 (hg19) VCF-style: chrX-40450534-C-G.
Other names: short protein forms R73G.
Identifiers: ClinVar variation 4745405 (VCV004745405.1).
Genomic context (GRCh38, chrX:40,591,282, plus strand): 5'-TTCAATGTTTAGGACCTTTCTTGGCCAGGACTCGCAGTGGGTAACCTGTTTCATCGTCCT[C>G]GGGCTACCGTCATGGTGATGGTGAAGGGAGTGAACAAACTGGCTCTACCCCCAGGCAGTG-3'
Protein context (NP_005756.2, residues 63-83): LAVGNLFHRP[Arg73Gly]ATVMVMVKGV

ClinVar aggregate classification (germline): Uncertain significance (1 of 4 stars; one submission).

Conditions:
Intellectual developmental disorder, X-linked, syndromic, Hedera type. Also called: Syndromic X-linked intellectual disability Hedera type. Identifiers: Orphanet 93952, MedGen C1845543, MONDO:0010319, OMIM 300423.

Submission:

Labcorp Genetics (formerly Invitae), Labcorp
Classification: Uncertain significance for Intellectual developmental disorder, X-linked, syndromic, Hedera type. Last evaluated: 2025-12-22. Review status: criteria provided, single submitter. Criteria: Invitae Variant Classification Sherloc (09022015). Collection method: clinical testing. Allele origin: germline.
Comment: This sequence change replaces arginine, which is basic and polar, with glycine, which is neutral and non-polar, at codon 73 of the ATP6AP2 protein (p.Arg73Gly). This variant is not present in population databases (gnomAD no frequency). This variant has not been reported in the literature in individuals affected with ATP6AP2-related conditions. Invitae Evidence Modeling of protein sequence and biophysical properties (such as structural, functional, and spatial information, amino acid conservation, physicochemical variation, residue mobility, and thermodynamic stability) indicates that this missense variant is not expected to disrupt ATP6AP2 protein function with a negative predictive value of 80%. In summary, the available evidence is currently insufficient to determine the role of this variant in disease. Therefore, it has been classified as a Variant of Uncertain Significance.